The following is an entry in ClinVar:

NM_002878.4(RAD51D):c.789C>T (p.Ala263=)

Genes: RAD51L3-RFFL (RAD51L3-RFFL readthrough; minus strand), RAD51D (RAD51 paralog D; minus strand). Cytogenetic location: 17q12.
Variant type: single nucleotide variant.
Coding change: c.789C>T on transcript NM_002878.4 (MANE Select); coding-DNA position 789, C replaced by T.
Protein change: p.Ala263=; no amino-acid change (alanine 263 retained).
Molecular consequence: synonymous variant. On other transcripts: non-coding transcript variant (3).
Genome position (GRCh38, 1-based): chr17:35,101,315, G>A on the plus strand (C>T on the coding strand, the complement: RAD51D is on the minus strand). VCF-style: chr17-35101315-G-A. GRCh37 (hg19) VCF-style: chr17-33428334-G-A.
Other names: c.849C>T, p.Ala283= (NM_001142571.2); c.453C>T, p.Ala151= (NM_133629.3).
Identifiers: ClinVar variation 512022 (VCV000512022.9), dbSNP rs1555567153, ClinGen allele CA499728827.

ClinVar aggregate classification (germline): Likely benign. Review status: criteria provided, multiple submitters, no conflicts (2 of 4 stars). 4 submissions from 4 submitters: Likely benign (4). Last evaluated 2024-10-19.

Conditions:
Hereditary cancer-predisposing syndrome. Also called: Hereditary Cancer Syndrome; Neoplastic Syndromes, Hereditary; Tumor predisposition; Hereditary neoplastic syndrome. Identifiers: Orphanet 140162, MedGen C0027672, MeSH D009386, MONDO:0015356.
Breast-ovarian cancer, familial, susceptibility to, 4. Identifiers: Orphanet 145, MedGen C3280345, MONDO:0013669, OMIM 614291.

Submissions (4):

Ambry Genetics
Classification: Likely benign for Hereditary cancer-predisposing syndrome. Last evaluated: 2024-10-19. Review status: criteria provided, single submitter. Criteria: Ambry Variant Classification Scheme 2023. Collection method: clinical testing. Allele origin: germline.

Labcorp Genetics (formerly Invitae), Labcorp
Classification: Likely benign for Breast-ovarian cancer, familial, susceptibility to, 4. Last evaluated: 2023-09-05. Review status: criteria provided, single submitter. Criteria: Invitae Variant Classification Sherloc (09022015). Collection method: clinical testing. Allele origin: germline.

Color Diagnostics, LLC DBA Color Health
Classification: Likely benign for Hereditary cancer-predisposing syndrome. Last evaluated: 2019-11-22. Review status: criteria provided, single submitter. Criteria: ACMG Guidelines, 2015. Collection method: clinical testing. Allele origin: germline.

GeneDx
Classification: Likely benign. Last evaluated: 2017-09-11. Review status: criteria provided, single submitter. Criteria: GeneDx Variant Classification (06012015). Collection method: clinical testing. Allele origin: germline. Affected: yes.
Comment: This variant is considered likely benign or benign based on one or more of the following criteria: it is a conservative change, it occurs at a poorly conserved position in the protein, it is predicted to be benign by multiple in silico algorithms, and/or has population frequency not consistent with disease.